The following is an entry in ClinVar:

NM_000313.4(PROS1):c.716A>T (p.Lys239Met)

Gene: PROS1 (protein S; minus strand). Cytogenetic location: 3q11.1.
Variant type: single nucleotide variant.
Coding change: c.716A>T on transcript NM_000313.4 (MANE Select); coding-DNA position 716, A replaced by T.
Protein change: p.Lys239Met; replaces lysine 239 with methionine.
Molecular consequence: missense variant.
Genome position (GRCh38, 1-based): chr3:93,900,815, T>A on the plus strand (A>T on the coding strand, the complement: PROS1 is on the minus strand). VCF-style: chr3-93900815-T-A. GRCh37 (hg19) VCF-style: chr3-93619659-T-A.
Other names: c.812A>T, p.Lys271Met (NM_001314077.2); short protein forms K239M, K271M.
Identifiers: ClinVar variation 2446255 (VCV002446255.1), dbSNP rs1209234638, ClinGen allele CA353673091.

ClinVar aggregate classification (germline): Uncertain significance (1 of 4 stars; one submission).

Allele frequency attached by ClinVar (database versions not stated): gnomAD exomes 0.00001.
gnomAD v4.1: 17 of 1,613,104 alleles (0.0011%); highest among the groups gnomAD compares: Non-Finnish European, 0.0014%; no homozygotes.

Submission:

GeneDx
Classification: Uncertain significance. Last evaluated: 2022-09-26. Review status: criteria provided, single submitter. Criteria: GeneDx Variant Classification Process June 2021. Collection method: clinical testing. Allele origin: germline. Affected: yes.
Comment: In silico analysis supports that this missense variant has a deleterious effect on protein structure/function; Has not been previously published as pathogenic or benign to our knowledge